The following is an entry in ClinVar:

NM_024580.6(EFL1):c.1444+3A>C

Gene: EFL1 (elongation factor like GTPase 1; minus strand). Cytogenetic location: 15q25.2.
Variant type: single nucleotide variant.
Coding change: c.1444+3A>C on transcript NM_024580.6 (MANE Select); 3 bases into the intron after coding-DNA position 1444, A replaced by C.
Molecular consequence: intron variant.
Genome position (GRCh38, 1-based): chr15:82,220,075, T>G on the plus strand (A>C on the coding strand, the complement: EFL1 is on the minus strand). VCF-style: chr15-82220075-T-G. GRCh37 (hg19) VCF-style: chr15-82512416-T-G.
Other names: c.1291+3A>C (NM_001040610.3); c.655+3A>C (NM_001322844.2); c.1444+3A>C (NM_001322845.2).
Identifiers: ClinVar variation 2239885 (VCV002239885.5), dbSNP rs757680858, ClinGen allele CA7697987.

ClinVar aggregate classification (germline): Uncertain significance. Review status: criteria provided, multiple submitters, no conflicts (2 of 4 stars). 2 submissions from 2 submitters: Uncertain significance (2). Last evaluated 2025-07-21.

Conditions:
Inborn genetic diseases. Identifiers: MedGen C0950123, MeSH D030342.

Allele frequency attached by ClinVar (database versions not stated): ExAC 0.00003; gnomAD 0.00001; TOPMed 0.00001; gnomAD exomes 0.00001.
gnomAD v4.1: 9 of 1,600,036 alleles (0.00056%); highest among the groups gnomAD compares: Admixed American, 0.011%; no homozygotes.

Submissions (2):

Labcorp Genetics (formerly Invitae), Labcorp
Classification: Uncertain significance. Last evaluated: 2025-07-21. Review status: criteria provided, single submitter. Criteria: Invitae Variant Classification Sherloc (09022015). Collection method: clinical testing. Allele origin: germline.
Comment: This sequence change falls in intron 13 of the EFL1 gene. It does not directly change the encoded amino acid sequence of the EFL1 protein. It affects a nucleotide within the consensus splice site. This variant is present in population databases (rs757680858, gnomAD 0.01%). This variant has not been reported in the literature in individuals affected with EFL1-related conditions. ClinVar contains an entry for this variant (Variation ID: 2239885). Variants that disrupt the consensus splice site are a relatively common cause of aberrant splicing (PMID: 17576681, 9536098). Algorithms developed to predict the effect of sequence changes on RNA splicing suggest that this variant may disrupt the consensus splice site. In summary, the available evidence is currently insufficient to determine the role of this variant in disease. Therefore, it has been classified as a Variant of Uncertain Significance.

Ambry Genetics
Classification: Uncertain significance for Inborn genetic diseases. Last evaluated: 2021-09-14. Review status: criteria provided, single submitter. Criteria: Ambry Variant Classification Scheme 2023. Collection method: clinical testing. Allele origin: germline.
Comment: The c.1444+3A>C intronic alteration consists of a A to C substitution nucleotides after coding exon 12 in the EFL1 gene. Based on insufficient or conflicting evidence, the clinical significance of this alteration remains unclear.

Literature cited by the submitters: PubMed 17576681 (cited by Labcorp Genetics (formerly Invitae), Labcorp); PubMed 9536098 (cited by Labcorp Genetics (formerly Invitae), Labcorp).